The following is an entry in ClinVar:

NM_001330260.2(SCN8A):c.3943-6A>G

Gene: SCN8A (sodium voltage-gated channel alpha subunit 8; plus strand). Cytogenetic location: 12q13.13.
Variant type: single nucleotide variant.
Coding change: c.3943-6A>G on transcript NM_001330260.2 (MANE Select); 6 bases into the intron before coding-DNA position 3943, A replaced by G.
Molecular consequence: intron variant.
Genome position (GRCh38, 1-based): chr12:51,786,536, A>G. VCF-style: chr12-51786536-A-G. GRCh37 (hg19) VCF-style: chr12-52180320-A-G.
Other names: c.3943-6A>G (NM_014191.4); c.3820-6A>G (NM_001177984.3, NM_001369788.1).
Identifiers: ClinVar variation 3657729 (VCV003657729.2).
Genomic context (GRCh38, chr12:51,786,536, plus strand): 5'-GGAAATCAAAAAATGTGCTTGCTCTCATTTCCACCCAACACTGAGCAACCTCCCCTTCCA[A>G]TGCAGGTGGTGGTGAATGCCTTGGTGGGCGCCATCCCCTCCATCATGAATGTGCTGCTGG-3'

ClinVar aggregate classification (germline): Uncertain significance (1 of 4 stars; one submission).

Conditions:
Early-infantile DEE. Also called: Ohtahara syndrome; Early infantile epileptic encephalopathy; Early infantile epileptic encephalopathy with suppression bursts. Identifiers: Orphanet 1934, MedGen C0393706, MONDO:0800491.

gnomAD v4.1: 4 of 1,613,856 alleles (0.00025%); highest among the groups gnomAD compares: Non-Finnish European, 0.00034%; no homozygotes.

Submission:

Labcorp Genetics (formerly Invitae), Labcorp
Classification: Uncertain significance for Early-infantile DEE. Last evaluated: 2025-04-29. Review status: criteria provided, single submitter. Criteria: Invitae Variant Classification Sherloc (09022015). Collection method: clinical testing. Allele origin: germline.
Comment: This sequence change falls in intron 21 of the SCN8A gene. It does not directly change the encoded amino acid sequence of the SCN8A protein. This variant is present in population databases (no rsID available, gnomAD 0.007%). This variant has not been reported in the literature in individuals affected with SCN8A-related conditions. ClinVar contains an entry for this variant (Variation ID: 3657729). Algorithms developed to predict the effect of sequence changes on RNA splicing suggest that this variant may disrupt the consensus splice site. In summary, the available evidence is currently insufficient to determine the role of this variant in disease. Therefore, it has been classified as a Variant of Uncertain Significance.